The following is an entry in ClinVar:

NM_001844.5(COL2A1):c.3144A>T (p.Arg1048Ser)

Gene: COL2A1 (collagen type II alpha 1 chain; minus strand). Cytogenetic location: 12q13.11.
Variant type: single nucleotide variant.
Coding change: c.3144A>T on transcript NM_001844.5 (MANE Select); coding-DNA position 3144, A replaced by T.
Protein change: p.Arg1048Ser; replaces arginine 1048 with serine.
Molecular consequence: missense variant.
Genome position (GRCh38, 1-based): chr12:47,977,621, T>A on the plus strand (A>T on the coding strand, the complement: COL2A1 is on the minus strand). VCF-style: chr12-47977621-T-A. GRCh37 (hg19) VCF-style: chr12-48371404-T-A.
Other names: p.Arg1048Ser; c.2937A>T, p.Arg979Ser (NM_033150.3); short protein forms R1048S, R979S.
Identifiers: ClinVar variation 3236332 (VCV003236332.5), dbSNP rs758162798, ClinGen allele CA6534870.

ClinVar aggregate classification (germline): Uncertain significance. Review status: criteria provided, multiple submitters, no conflicts (2 of 4 stars). 3 submissions from 3 submitters: Uncertain significance (3). Last evaluated 2026-06-01.

Conditions:
Congenital aneurysm of ascending aorta (AAT1). Also called: AORTIC ANEURYSM, FAMILIAL THORACIC 1; ANNULOAORTIC ECTASIA; Familial thoracic aortic aneurysm; Aortic aneurysm, thoracic. Identifiers: Orphanet 229, MedGen C0345050, MONDO:0024559, OMIM 607086.

Allele frequency attached by ClinVar (database versions not stated): gnomAD exomes below 0.00001; ExAC 0.00001.
gnomAD v4.1: 2 of 1,613,936 alleles (0.00012%); highest among the groups gnomAD compares: Non-Finnish European, 0.00017%; no homozygotes.

Submissions (3):

CeGaT Center for Human Genetics Tuebingen
Classification: Uncertain significance. Last evaluated: 2026-06-01. Review status: criteria provided, single submitter. Criteria: CeGaT Center For Human Genetics Tuebingen Variant Classification Criteria Version 2. Collection method: clinical testing. Allele origin: germline. Affected: yes. Observed: 2 variant alleles.
Comment: COL2A1: PM2

Blueprint Genetics
Classification: Uncertain significance. Last evaluated: 2024-07-02. Review status: criteria provided, single submitter. Criteria: ACMG Guidelines, 2015. Collection method: clinical testing. Allele origin: germline.

Petrovsky National Research Centre of Surgery, The Federal Agency for Scientific Organizations
Classification: Uncertain significance for Congenital aneurysm of ascending aorta. Last evaluated: 2023-05-03. Review status: criteria provided, single submitter. Criteria: ACMG Guidelines, 2015. Collection method: clinical testing. Allele origin: germline. Inheritance: Autosomal dominant inheritance. Affected: yes. Observed: 1 heterozygote.
Comment: The c.3144A>T (p.Arg1048Ser) genetic variant in the COL2A1 gene is not observed at significant frequency in large population cohorts (gnomAD v4.1.0). For these reasons, this variant has been classified as a Variant of Uncertain Significance.